The following is an entry in ClinVar:

NM_001605.3(AARS1):c.324T>A (p.Asp108Glu)

Gene: AARS1 (alanyl-tRNA synthetase 1; minus strand). Cytogenetic location: 16q22.1.
Variant type: single nucleotide variant.
Coding change: c.324T>A on transcript NM_001605.3 (MANE Select); coding-DNA position 324, T replaced by A.
Protein change: p.Asp108Glu; replaces aspartic acid 108 with glutamic acid.
Molecular consequence: missense variant.
Genome position (GRCh38, 1-based): chr16:70,276,975, A>T on the plus strand (T>A on the coding strand, the complement: AARS1 is on the minus strand). VCF-style: chr16-70276975-A-T. GRCh37 (hg19) VCF-style: chr16-70310878-A-T.
Other names: short protein forms D108E.
Identifiers: ClinVar variation 4766071 (VCV004766071.1).

ClinVar aggregate classification (germline): Uncertain significance (1 of 4 stars; one submission).

Conditions:
Charcot-Marie-Tooth disease type 2. Also called: Charcot-Marie-Tooth type 2. Identifiers: Orphanet 64746, MedGen C0270914, MONDO:0018993.

Submission:

Labcorp Genetics (formerly Invitae), Labcorp
Classification: Uncertain significance for Charcot-Marie-Tooth disease type 2. Last evaluated: 2025-11-09. Review status: criteria provided, single submitter. Criteria: Invitae Variant Classification Sherloc (09022015). Collection method: clinical testing. Allele origin: germline.
Comment: This sequence change replaces aspartic acid, which is acidic and polar, with glutamic acid, which is acidic and polar, at codon 108 of the AARS protein (p.Asp108Glu). This variant is not present in population databases (gnomAD no frequency). This variant has not been reported in the literature in individuals affected with AARS-related conditions. Invitae Evidence Modeling of protein sequence and biophysical properties (such as structural, functional, and spatial information, amino acid conservation, physicochemical variation, residue mobility, and thermodynamic stability) indicates that this missense variant is not expected to disrupt AARS protein function with a negative predictive value of 80%. In summary, the available evidence is currently insufficient to determine the role of this variant in disease. Therefore, it has been classified as a Variant of Uncertain Significance.